The following is an entry in ClinVar:

NM_001378454.1(ALMS1):c.2686C>T (p.Gln896Ter)

Gene: ALMS1 (ALMS1 centrosome and basal body associated protein; plus strand). Cytogenetic location: 2p13.1.
Variant type: single nucleotide variant.
Coding change: c.2686C>T on transcript NM_001378454.1 (MANE Select); coding-DNA position 2686, C replaced by T.
Protein change: p.Gln896Ter; replaces glutamine 896 with a stop codon.
Molecular consequence: nonsense.
Genome position (GRCh38, 1-based): chr2:73,449,213, C>T. VCF-style: chr2-73449213-C-T. GRCh37 (hg19) VCF-style: chr2-73676340-C-T.
Other names: c.2689C>T, p.Gln897Ter (NM_015120.4); short protein forms Q896*, Q897*.
Identifiers: ClinVar variation 1726945 (VCV001726945.2), dbSNP rs376834704, ClinGen allele CA347271206.

ClinVar aggregate classification (germline): Likely pathogenic (1 of 4 stars; one submission).

Conditions:
Alstrom syndrome (ALMS). Identifiers: Orphanet 64, MedGen C0268425, MONDO:0008763, OMIM 203800.

Submission:

Myriad Genetics, Inc.
Classification: Likely pathogenic for Alstrom syndrome. Last evaluated: 2022-03-02. Review status: criteria provided, single submitter. Criteria: Myriad Women's Health Autosomal Recessive and X-Linked Classification Criteria (2021). Collection method: clinical testing. Allele origin: unknown.
Comment: NM_015120.4(ALMS1):c.2689C>T(Q897*) is expected to be pathogenic in the context of Alstrom syndrome. This variant is predicted to lead to an abnormal or absent protein product due to the creation of a premature termination codon in ALMS1, a gene where loss-of-function variants are known to be pathogenic. Please note: this variant was assessed in the context of healthy population screening.